The following is an entry in ClinVar:

NM_002519.3(NPAT):c.2036A>C (p.Asn679Thr)

Gene: NPAT (nuclear protein, coactivator of histone transcription; minus strand). Cytogenetic location: 11q22.3.
Variant type: single nucleotide variant.
Coding change: c.2036A>C on transcript NM_002519.3 (MANE Select); coding-DNA position 2036, A replaced by C.
Protein change: p.Asn679Thr; replaces asparagine 679 with threonine.
Molecular consequence: missense variant.
Genome position (GRCh38, 1-based): chr11:108,172,948, T>G on the plus strand (A>C on the coding strand, the complement: NPAT is on the minus strand). VCF-style: chr11-108172948-T-G. GRCh37 (hg19) VCF-style: chr11-108043675-T-G.
Other names: c.2036A>C, p.Asn679Thr (NM_001321307.1); c.2036A>C (NM_002519.2); short protein forms N679T.
Identifiers: ClinVar variation 1907720 (VCV001907720.8), dbSNP rs373970446, ClinGen allele CA6263895.
Genomic context (GRCh38, chr11:108,172,948, plus strand): 5'-TGACTGTTTTCTACAGGAGTGCCTTCTGGAGGCGTCAGTGCAACTTTCTCACAGTTAGCA[T>G]TTCCACCTAAAGAGAGAAAAATAGTATTCTCTTCTTTTACAGAAGATGAAGGCTCCTGTG-3'
Protein context (NP_002510.2, residues 669-689): ENTIFLSLGG[Asn679Thr]ANCEKVALTP

ClinVar aggregate classification (germline): Uncertain significance. Review status: criteria provided, multiple submitters, no conflicts (2 of 4 stars). 2 submissions from 2 submitters: Uncertain significance (2). Last evaluated 2025-06-29.

Allele frequency attached by ClinVar (database versions not stated): gnomAD 0.00003; TOPMed 0.00004.
gnomAD v4.1: 37 of 1,614,046 alleles (0.0023%); highest among the groups gnomAD compares: Admixed American, 0.0033%; no homozygotes.

Submissions (2):

Ambry Genetics
Classification: Uncertain significance. Last evaluated: 2025-06-29. Review status: criteria provided, single submitter. Criteria: Ambry Variant Classification Scheme 2023. Collection method: clinical testing. Allele origin: germline.

Labcorp Genetics (formerly Invitae), Labcorp
Classification: Uncertain significance. Last evaluated: 2023-12-11. Review status: criteria provided, single submitter. Criteria: Invitae Variant Classification Sherloc (09022015). Collection method: clinical testing. Allele origin: germline.
Comment: This sequence change replaces asparagine, which is neutral and polar, with threonine, which is neutral and polar, at codon 679 of the NPAT protein (p.Asn679Thr). This variant is present in population databases (rs373970446, gnomAD 0.006%). This variant has not been reported in the literature in individuals affected with NPAT-related conditions. ClinVar contains an entry for this variant (Variation ID: 1907720). Algorithms developed to predict the effect of missense changes on protein structure and function output the following: SIFT: "Not Available"; PolyPhen-2: "Benign"; Align-GVGD: "Not Available". The threonine amino acid residue is found in multiple mammalian species, which suggests that this missense change does not adversely affect protein function. In summary, the available evidence is currently insufficient to determine the role of this variant in disease. Therefore, it has been classified as a Variant of Uncertain Significance.